The following is an entry in ClinVar:

ClinVar aggregate classification (germline): Benign (3 of 4 stars; one submission).

Conditions:
Breast-ovarian cancer, familial, susceptibility to, 1 (BROVCA1). Also called: BRCA1 Hereditary Breast and Ovarian Cancer; OVARIAN CANCER, SUSCEPTIBILITY TO. Identifiers: Orphanet 145, MedGen C2676676, MONDO:0011450, OMIM 604370. Disease mechanism: loss of function.

Allele frequency attached by ClinVar (database versions not stated): 1000 Genomes Project 30x 0.00328; 1000 Genomes Project 0.00339; TOPMed 0.00467; gnomAD 0.00485 and 0.00488.
gnomAD v4.1: 734 of 152,096 alleles (0.48%); highest among the groups gnomAD compares: Non-Finnish European, 0.81%; 4 homozygotes.

Submission:

Evidence-based Network for the Interpretation of Germline Mutant Alleles (ENIGMA)
Classification: Benign for Breast-ovarian cancer, familial 1. Last evaluated: 2015-01-12. Review status: reviewed by expert panel. Criteria: ENIGMA BRCA1/2 Classification Criteria (2015). Collection method: curation. Allele origin: germline.
Comment: Class 1 not pathogenic based on frequency >1% in an outbred sampleset. Frequency 0.01055 (European), derived from 1000 genomes (2012-04-30).

NM_007294.4(BRCA1):c.5074+1199C>G

Gene: BRCA1 (BRCA1 DNA repair associated; minus strand). Cytogenetic location: 17q21.31.
Variant type: single nucleotide variant.
Coding change: c.5074+1199C>G on transcript NM_007294.4 (MANE Select); 1199 bases into the intron after coding-DNA position 5074, C replaced by G.
Molecular consequence: intron variant.
Genome position (GRCh38, 1-based): chr17:43,066,409, G>C on the plus strand (C>G on the coding strand, the complement: BRCA1 is on the minus strand). VCF-style: chr17-43066409-G-C. GRCh37 (hg19) VCF-style: chr17-41218426-G-C.
Other names: IVS 17+1199C>G; c.1621+1199C>G (NM_001408458.1, NM_001408461.1, NM_001408464.1 and 7 more transcripts); c.4183+1199C>G (NM_001407967.1); c.4693+1199C>G (NM_001407959.1); c.4807+1199C>G (NM_001407931.1, NM_001407932.1, NM_001407928.1 and 4 more transcripts); c.4930+1199C>G (NM_001407747.1, NM_001407745.1, NM_001407737.1 and 21 more transcripts); c.4690+1199C>G (NM_001407962.1, NM_001407960.1); c.1261+1199C>G (NM_001408512.1); and 72 more.
Identifiers: ClinVar variation 209338 (VCV000209338.2), dbSNP rs8176239, ClinGen allele CA276310.